The following is an entry in ClinVar:

NM_024496.4(IRF2BPL):c.369G>A (p.Gln123=)

Gene: IRF2BPL (interferon regulatory factor 2 binding protein like; minus strand). Cytogenetic location: 14q24.3.
Variant type: single nucleotide variant.
Coding change: c.369G>A on transcript NM_024496.4 (MANE Select); coding-DNA position 369, G replaced by A.
Protein change: p.Gln123=; no amino-acid change (glutamine 123 retained).
Molecular consequence: synonymous variant.
Genome position (GRCh38, 1-based): chr14:77,027,424, C>T on the plus strand (G>A on the coding strand, the complement: IRF2BPL is on the minus strand). VCF-style: chr14-77027424-C-T. GRCh37 (hg19) VCF-style: chr14-77493767-C-T.
Identifiers: ClinVar variation 4922628 (VCV004922628.2).

ClinVar aggregate classification (germline): Likely benign. Review status: criteria provided, multiple submitters, no conflicts (2 of 4 stars). 2 submissions from 2 submitters: Likely benign (2). Last evaluated 2026-09-01.

Submissions (2):

CeGaT Center for Human Genetics Tuebingen
Classification: Likely benign. Last evaluated: 2026-09-01. Review status: criteria provided, single submitter. Criteria: CeGaT Center For Human Genetics Tuebingen Variant Classification Criteria Version 2. Collection method: clinical testing. Allele origin: germline. Affected: yes. Observed: 1 variant allele.
Comment: IRF2BPL: BP4, BP7, BS1

Blueprint Genetics
Classification: Likely benign. Last evaluated: 2023-03-15. Review status: criteria provided, single submitter. Criteria: ACMG Guidelines, 2015. Collection method: clinical testing. Allele origin: germline.